The following is an entry in ClinVar:

NM_004211.5(SLC6A5):c.172G>C (p.Gly58Arg)

Gene: SLC6A5 (solute carrier family 6 member 5; plus strand). Cytogenetic location: 11p15.1.
Variant type: single nucleotide variant.
Coding change: c.172G>C on transcript NM_004211.5 (MANE Select); coding-DNA position 172, G replaced by C.
Protein change: p.Gly58Arg; replaces glycine 58 with arginine.
Molecular consequence: missense variant. On other transcripts: 5 prime UTR variant (1).
Genome position (GRCh38, 1-based): chr11:20,601,297, G>C. VCF-style: chr11-20601297-G-C. GRCh37 (hg19) VCF-style: chr11-20622843-G-C.
Other names: c.-392G>C (NM_001318369.2); short protein forms G58R.
Identifiers: ClinVar variation 1522238 (VCV001522238.6), dbSNP rs2133767900, ClinGen allele CA379911164.

ClinVar aggregate classification (germline): Uncertain significance (1 of 4 stars; one submission).

Conditions:
Hyperekplexia 3 (HKPX3). Also called: HYPEREKPLEXIA 3, AUTOSOMAL RECESSIVE; HYPEREKPLEXIA 3, AUTOSOMAL DOMINANT. Identifiers: Orphanet 3197, MedGen C3553288, MONDO:0013827, OMIM 614618.

gnomAD v4.1: 1 of 1,590,592 alleles (0.000063%); highest among the groups gnomAD compares: Non-Finnish European, 0.000085%; no homozygotes.

Submission:

Labcorp Genetics (formerly Invitae), Labcorp
Classification: Uncertain significance for Hyperekplexia 3. Last evaluated: 2021-11-03. Review status: criteria provided, single submitter. Criteria: Invitae Variant Classification Sherloc (09022015). Collection method: clinical testing. Allele origin: germline.
Comment: In summary, the available evidence is currently insufficient to determine the role of this variant in disease. Therefore, it has been classified as a Variant of Uncertain Significance. Advanced modeling of protein sequence and biophysical properties (such as structural, functional, and spatial information, amino acid conservation, physicochemical variation, residue mobility, and thermodynamic stability) performed at Invitae indicates that this missense variant is not expected to disrupt SLC6A5 protein function. This variant has not been reported in the literature in individuals affected with SLC6A5-related conditions. This variant is not present in population databases (gnomAD no frequency). This sequence change replaces glycine, which is neutral and non-polar, with arginine, which is basic and polar, at codon 58 of the SLC6A5 protein (p.Gly58Arg).